The following is an entry in ClinVar:

NM_001130987.2(DYSF):c.1248G>C (p.Lys416Asn)

Gene: DYSF (dysferlin; plus strand). Cytogenetic location: 2p13.2.
Variant type: single nucleotide variant.
Coding change: c.1248G>C on transcript NM_001130987.2 (MANE Select); coding-DNA position 1248, G replaced by C.
Protein change: p.Lys416Asn; replaces lysine 416 with asparagine.
Molecular consequence: missense variant.
Genome position (GRCh38, 1-based): chr2:71,526,318, G>C. VCF-style: chr2-71526318-G-C. GRCh37 (hg19) VCF-style: chr2-71753448-G-C.
Other names: c.1155G>C, p.Lys385Asn (NM_001130455.2, NM_001130983.2, NM_001130984.2 and 1 more transcripts); c.1152G>C, p.Lys384Asn (NM_001130976.2, NM_001130977.2, NM_001130978.2 and 1 more transcripts); c.1245G>C, p.Lys415Asn (NM_001130979.2, NM_001130980.2, NM_001130981.2); c.1248G>C, p.Lys416Asn (NM_001130982.2, NM_001130985.2); short protein forms K416N, K384N, K415N, K385N.
Identifiers: ClinVar variation 1380017 (VCV001380017.5), dbSNP rs745409058, ClinGen allele CA1705658.

ClinVar aggregate classification (germline): Uncertain significance (1 of 4 stars; one submission).

Conditions:
Neuromuscular disease caused by qualitative or quantitative defects of dysferlin. Also called: Qualitative or quantitative defects of dysferlin; Dysferlinopathy. Identifiers: Orphanet 207073, MedGen C2931687, MONDO:0016145.

Allele frequency attached by ClinVar (database versions not stated): gnomAD exomes 0.00001; ExAC 0.00002.
gnomAD v4.1: 7 of 1,614,190 alleles (0.00043%); highest among the groups gnomAD compares: South Asian, 0.0077%; no homozygotes.

Submission:

Labcorp Genetics (formerly Invitae), Labcorp
Classification: Uncertain significance for Neuromuscular disease caused by qualitative or quantitative defects of dysferlin. Last evaluated: 2021-08-28. Review status: criteria provided, single submitter. Criteria: Invitae Variant Classification Sherloc (09022015). Collection method: clinical testing. Allele origin: germline.
Comment: This sequence change replaces lysine with asparagine at codon 384 of the DYSF protein (p.Lys384Asn). The lysine residue is moderately conserved and there is a moderate physicochemical difference between lysine and asparagine. This variant is present in population databases (rs745409058, ExAC 0.01%). This variant has not been reported in the literature in individuals affected with DYSF-related conditions. Algorithms developed to predict the effect of missense changes on protein structure and function are either unavailable or do not agree on the potential impact of this missense change (SIFT: "Tolerated"; PolyPhen-2: "Possibly Damaging"; Align-GVGD: "Class C0"). In summary, the available evidence is currently insufficient to determine the role of this variant in disease. Therefore, it has been classified as a Variant of Uncertain Significance.